The following is an entry in ClinVar:

ClinVar aggregate classification (germline): Conflicting classifications of pathogenicity. Review status: criteria provided, conflicting classifications (1 of 4 stars). 4 submissions from 3 submitters: Uncertain significance (1); Benign (1); Likely benign (2). Last evaluated 2025-10-03.

Conditions:
Retinitis pigmentosa (RP). Identifiers: Orphanet 791, MedGen C0035334, MeSH D012174, MONDO:0019200, OMIM 268000. Inheritance: Autosomal dominant, autosomal recessive and X linked inheritance.
Leber congenital amaurosis 11 (LCA11). Identifiers: Orphanet 65, MedGen C1840284, MONDO:0013454, OMIM 613837.

Allele frequency attached by ClinVar (database versions not stated): ESP Exome Variant Server 0.00008; TOPMed 0.00009; gnomAD 0.00011 and 0.00020; gnomAD exomes 0.00025 and 0.00048; ExAC 0.00046.
gnomAD v4.1: 395 of 1,614,116 alleles (0.024%); highest among the groups gnomAD compares: South Asian, 0.24%; 8 homozygotes.

Submissions (4):

Labcorp Genetics (formerly Invitae), Labcorp
Classification: Benign. Last evaluated: 2025-10-03. Review status: criteria provided, single submitter. Criteria: Invitae Variant Classification Sherloc (09022015). Collection method: clinical testing. Allele origin: germline.

Blueprint Genetics
Classification: Likely benign. Last evaluated: 2024-10-10. Review status: criteria provided, single submitter. Criteria: ACMG Guidelines, 2015. Collection method: clinical testing. Allele origin: germline.

Illumina Laboratory Services, Illumina
Classification: Uncertain significance for Leber congenital amaurosis 11. Last evaluated: 2018-01-13. Review status: criteria provided, single submitter. Criteria: ICSL Variant Classification Criteria 13 December 2019. Collection method: clinical testing. Allele origin: germline.

Illumina Laboratory Services, Illumina
Classification: Likely benign for Retinitis pigmentosa. Last evaluated: 2018-01-13. Review status: criteria provided, single submitter. Criteria: ICSL Variant Classification Criteria 13 December 2019. Collection method: clinical testing. Allele origin: germline.
Comment: This variant was observed in the ICSL laboratory as part of a predisposition screen in an ostensibly healthy population. It had not been previously curated by ICSL or reported in the Human Gene Mutation Database (HGMD: prior to June 1st, 2018), and was therefore a candidate for classification through an automated scoring system. Utilizing variant allele frequency, disease prevalence and penetrance estimates, and inheritance mode, an automated score was calculated to assess if this variant is too frequent to cause the disease. Based on the score and internal cut-off values, a variant classified as likely benign is not then subjected to further curation. The score for this variant resulted in a classification of likely benign for this disease.

NM_000883.4(IMPDH1):c.1662G>A (p.Gln554=)

Gene: IMPDH1 (inosine monophosphate dehydrogenase 1; minus strand). Cytogenetic location: 7q32.1.
Variant type: single nucleotide variant.
Coding change: c.1662G>A on transcript NM_000883.4 (MANE Select); coding-DNA position 1662, G replaced by A.
Protein change: p.Gln554=; no amino-acid change (glutamine 554 retained).
Molecular consequence: synonymous variant.
Genome position (GRCh38, 1-based): chr7:128,394,488, C>T on the plus strand (G>A on the coding strand, the complement: IMPDH1 is on the minus strand). VCF-style: chr7-128394488-C-T. GRCh37 (hg19) VCF-style: chr7-128034542-C-T.
Other names: c.1632G>A, p.Gln544= (NM_001102605.2); c.1407G>A, p.Gln469= (NM_001142573.2); c.1392G>A, p.Gln464= (NM_001142574.2); c.1332G>A, p.Gln444= (NM_001142575.2); c.1563G>A, p.Gln521= (NM_001142576.2); c.1455G>A, p.Gln485= (NM_001304521.2); c.1554G>A, p.Gln518= (NM_183243.3).
Identifiers: ClinVar variation 729916 (VCV000729916.14), dbSNP rs139785999, ClinGen allele CA4470762.